The following is an entry in ClinVar:

NM_000091.5(COL4A3):c.4289G>A (p.Gly1430Glu)

Genes: MFF-DT (MFF divergent transcript; minus strand), COL4A3 (collagen type IV alpha 3 chain; plus strand). Cytogenetic location: 2q36.3.
Variant type: single nucleotide variant.
Coding change: c.4289G>A on transcript NM_000091.5 (MANE Select); coding-DNA position 4289, G replaced by A.
Protein change: p.Gly1430Glu; replaces glycine 1430 with glutamic acid.
Molecular consequence: missense variant.
Genome position (GRCh38, 1-based): chr2:227,307,746, G>A. VCF-style: chr2-227307746-G-A. GRCh37 (hg19) VCF-style: chr2-228172462-G-A.
Other names: short protein forms G1430E.
Identifiers: ClinVar variation 3234031 (VCV003234031.2), dbSNP rs774856700, ClinGen allele CA350864179.

ClinVar aggregate classification (germline): Conflicting classifications of pathogenicity. Review status: criteria provided, conflicting classifications (1 of 4 stars). 2 submissions from 2 submitters: Likely pathogenic (1); Uncertain significance (1). Last evaluated 2024-07-19.

Conditions:
Autosomal dominant Alport syndrome (ATS3A). Also called: Alport syndrome dominant type; Renal failure and sensorineural hearing loss; ALPORT SYNDROME 3A, AUTOSOMAL DOMINANT. Identifiers: Orphanet 63, Orphanet 88918, MedGen C5882663, MONDO:0007086, OMIM 104200.
Collagen IV-related nephropathies. Identifiers: MedGen CN076135.

Submissions (2):

Clinical Genetics Laboratory, Skane University Hospital Lund
Classification: Uncertain significance for Collagen IV-related nephropathies. Last evaluated: 2024-07-19. Review status: criteria provided, single submitter. Criteria: ACMG Guidelines, 2015. Collection method: clinical testing. Allele origin: germline. Affected: yes.
Comment: PM2, PP3

MVZ Medizinische Genetik Mainz
Classification: Likely pathogenic for Autosomal dominant Alport syndrome. Last evaluated: 2022-03-28. Review status: criteria provided, single submitter. Criteria: UK Practice Guidelines For Variant Classification V4 01 2020. Collection method: clinical testing. Allele origin: germline. Inheritance: Autosomal dominant inheritance. Affected: yes. Observed: 1 variant allele.
Comment: ACMG Criteria: PM1_STR, PM2_SUP, PP3, PP4